The following is an entry in ClinVar:

ClinVar aggregate classification (germline): Uncertain significance (1 of 4 stars; one submission).

Submission:

GeneDx
Classification: Uncertain significance. Last evaluated: 2023-10-19. Review status: criteria provided, single submitter. Criteria: GeneDx Variant Classification Process June 2021. Collection method: clinical testing. Allele origin: germline. Affected: yes.
Comment: Not observed at significant frequency in large population cohorts (gnomAD); Canonical splice site variant in a gene for which loss-of-function is not a known mechanism of disease; Has not been previously published as pathogenic or benign to our knowledge

NM_001128840.3(CACNA1D):c.3007-1G>A

Gene: CACNA1D (calcium voltage-gated channel subunit alpha1 D; plus strand). Cytogenetic location: 3p21.1.
Variant type: single nucleotide variant.
Coding change: c.3007-1G>A on transcript NM_001128840.3 (MANE Select); the canonical splice acceptor site of the intron before coding-DNA position 3007, G replaced by A.
Molecular consequence: splice acceptor variant.
Genome position (GRCh38, 1-based): chr3:53,745,623, G>A. VCF-style: chr3-53745623-G-A. GRCh37 (hg19) VCF-style: chr3-53779650-G-A.
Other names: c.3007-1G>A (NM_001128839.3); c.3067-1G>A (NM_000720.4).
Identifiers: ClinVar variation 3366105 (VCV003366105.1).